The following is an entry in ClinVar:

ClinVar aggregate classification (germline): Conflicting classifications of pathogenicity. Review status: criteria provided, conflicting classifications (1 of 4 stars). 6 submissions from 6 submitters: Uncertain significance (1); Likely benign (5). Last evaluated 2025-11-20.

Conditions:
BCKDK-related disorder. Also called: BCKDK-related condition.
Branched-chain keto acid dehydrogenase kinase deficiency (BCKDKD). Also called: BCKDK DEFICIENCY. Identifiers: Orphanet 308410, MedGen C3554078, MONDO:0013970, OMIM 614923.

Allele frequency attached by ClinVar (database versions not stated): 1000 Genomes Project 30x 0.00047; 1000 Genomes Project 0.00060; TOPMed 0.00060; gnomAD 0.00063 and 0.00064; gnomAD exomes 0.00065; ExAC 0.00073; ESP Exome Variant Server 0.00077.
gnomAD v4.1: 1,094 of 1,610,348 alleles (0.068%); highest among the groups gnomAD compares: Non-Finnish European, 0.082%; 2 homozygotes.

Submissions (6):

Labcorp Genetics (formerly Invitae), Labcorp
Classification: Likely benign for Branched-chain keto acid dehydrogenase kinase deficiency. Last evaluated: 2025-11-20. Review status: criteria provided, single submitter. Criteria: Invitae Variant Classification Sherloc (09022015). Collection method: clinical testing. Allele origin: germline.

PreventionGenetics, part of Exact Sciences
Classification: Likely benign for BCKDK-related condition. Last evaluated: 2025-05-07. Review status: criteria provided, single submitter. Criteria: ACMG Guidelines, 2015. Collection method: clinical testing. Allele origin: germline.
Comment: This variant is classified as likely benign based on ACMG/AMP sequence variant interpretation guidelines (Richards et al. 2015 PMID: 25741868, with internal and published modifications).

CeGaT Center for Human Genetics Tuebingen
Classification: Likely benign. Last evaluated: 2025-05-01. Review status: criteria provided, single submitter. Criteria: CeGaT Center For Human Genetics Tuebingen Variant Classification Criteria Version 2. Collection method: clinical testing. Allele origin: germline. Affected: yes. Observed: 1 variant allele.
Comment: BCKDK: BP4, BP7

ARUP Laboratories, Molecular Genetics and Genomics, ARUP Laboratories
Classification: Likely benign for Branched-chain keto acid dehydrogenase kinase deficiency. Last evaluated: 2025-03-13. Review status: criteria provided, single submitter. Criteria: ARUP Molecular Germline Variant Investigation Process 2024. Collection method: clinical testing. Allele origin: germline.

Blueprint Genetics
Classification: Likely benign. Last evaluated: 2024-09-06. Review status: criteria provided, single submitter. Criteria: ACMG Guidelines, 2015. Collection method: clinical testing. Allele origin: germline.

Eurofins Ntd Llc (ga)
Classification: Uncertain significance. Last evaluated: 2017-05-02. Review status: criteria provided, single submitter. Criteria: EGL Classification Definitions 2015. Collection method: clinical testing. Allele origin: germline. Observed: 4 variant alleles, 4 heterozygotes.

NM_005881.4(BCKDK):c.1218G>A (p.Arg406=)

Gene: BCKDK (branched chain keto acid dehydrogenase kinase; plus strand). Cytogenetic location: 16p11.2.
Variant type: single nucleotide variant.
Coding change: c.1218G>A on transcript NM_005881.4 (MANE Select); coding-DNA position 1218, G replaced by A.
Protein change: p.Arg406=; no amino-acid change (arginine 406 retained).
Molecular consequence: synonymous variant. On other transcripts: 3 prime UTR variant (2).
Genome position (GRCh38, 1-based): chr16:31,112,244, G>A. VCF-style: chr16-31112244-G-A. GRCh37 (hg19) VCF-style: chr16-31123565-G-A.
Other names: c.*213G>A (NM_001122957.4, NM_001271926.3).
Identifiers: ClinVar variation 194067 (VCV000194067.28), dbSNP rs145180240, ClinGen allele CA239862.
Genomic context (GRCh38, chr16:31,112,244, plus strand): 5'-GCAGTCCCTGCAGGGCATTGGCACGGACGTCTACCTGCGGCTCCGCCACATCGATGGCCG[G>A]GAGGAAAGCTTCCGGATCTGACCCCACAGCCTTTGGCCTGCTCACCCGACCAGCCTGGGC-3'
Protein context (NP_005872.2, residues 396-412): VYLRLRHIDG[Arg406=]EESFRI